The following is an entry in ClinVar:

NM_170707.4(LMNA):c.383T>C (p.Ile128Thr)

Genes: LMNA (lamin A/C; plus strand), LOC126805877 (MED14-independent group 3 enhancer GRCh37_chr1:156099693-156100892; plus strand). Cytogenetic location: 1q22.
Variant type: single nucleotide variant.
Coding change: c.383T>C on transcript NM_170707.4 (MANE Select); coding-DNA position 383, T replaced by C.
Protein change: p.Ile128Thr; replaces isoleucine 128 with threonine.
Molecular consequence: missense variant.
Genome position (GRCh38, 1-based): chr1:156,130,643, T>C. VCF-style: chr1-156130643-T-C. GRCh37 (hg19) VCF-style: chr1-156100434-T-C.
Other names: c.47T>C, p.Ile16Thr (NM_001257374.3); c.140T>C, p.Ile47Thr (NM_001282624.2); c.383T>C, p.Ile128Thr (NM_001282625.2, NM_001282626.2, NM_005572.4 and 1 more transcripts); short protein forms I128T, I16T, I47T.
Identifiers: ClinVar variation 926737 (VCV000926737.3), dbSNP rs746475627, ClinGen allele CA053305.

ClinVar aggregate classification (germline): Uncertain significance (1 of 4 stars; one submission).

Conditions:
Cardiomyopathy (CMYO). Also called: Cardiomyopathies. Identifiers: Orphanet 167848, MedGen C0878544, MONDO:0004994, HP:0001638. Inheritance: Various modes of inheritance.

Allele frequency attached by ClinVar (database versions not stated): gnomAD exomes below 0.00001; ExAC 0.00001.
gnomAD v4.1: 2 of 1,614,062 alleles (0.00012%); highest among the groups gnomAD compares: African/African-American, 0.0013%; no homozygotes.

Submission:

Color Diagnostics, LLC DBA Color Health
Classification: Uncertain significance for Cardiomyopathy. Last evaluated: 2019-05-08. Review status: criteria provided, single submitter. Criteria: ACMG Guidelines, 2015. Collection method: clinical testing. Allele origin: germline.
Comment: This missense variant replaces isoleucine with threonine at codon 128 of the lamin A/C protein. Computational prediction tools and conservation analyses are inconclusive regarding the impact of this variant on the protein function. Computational splicing tools suggest that this variant may not impact RNA splicing. To our knowledge, functional assays have not been performed for this variant nor has this variant been reported in individuals affected with cardiovascular disorders in the literature. This variant has been identified in 1/251416 chromosomes in the general population by the Genome Aggregation Database (gnomAD). Available evidence is insufficient to determine the role of this variant in disease conclusively. Therefore, this variant is classified as a Variant of Uncertain Significance.